The following is an entry in ClinVar:

NM_001009944.3(PKD1):c.4957C>T (p.Gln1653Ter)

Gene: PKD1 (polycystin 1, transient receptor potential channel interacting; minus strand). Cytogenetic location: 16p13.3.
Variant type: single nucleotide variant.
Coding change: c.4957C>T on transcript NM_001009944.3 (MANE Select); coding-DNA position 4957, C replaced by T.
Protein change: p.Gln1653Ter; replaces glutamine 1653 with a stop codon.
Molecular consequence: nonsense.
Genome position (GRCh38, 1-based): chr16:2,110,210, G>A on the plus strand (C>T on the coding strand, the complement: PKD1 is on the minus strand). VCF-style: chr16-2110210-G-A. GRCh37 (hg19) VCF-style: chr16-2160211-G-A.
Other names: c.4957C>T, p.Gln1653Ter (NM_000296.4); short protein forms Q1653*.
Identifiers: ClinVar variation 636665 (VCV000636665.8), dbSNP rs1596557065, ClinGen allele CA394378766.
Genomic context (GRCh38, chr16:2,110,210, plus strand): 5'-CCCTGTCCCTCCAGGCAGTCCAGCTGTAGGAGACGTTGGTGCCATCCCTAACCACGGCCT[G>A]CAGCTGTACCGTGTGGTTGGTGGGGAAGTAGCGGCCACCGCCCACCACCTGCAGCCCCTC-3'

ClinVar aggregate classification (germline): Pathogenic/Likely pathogenic. Review status: criteria provided, multiple submitters, no conflicts (2 of 4 stars). 6 submissions from 6 submitters: Pathogenic (5); Likely pathogenic (1). Last evaluated 2026-09-24.

Conditions:
PKD1-related disorder. Also called: PKD1-related condition.
Polycystic kidney disease, adult type (PKD1). Also called: Polycystic Kidney Disease 1, Autosomal Dominant; Polycystic kidney disease 1; Polycystic kidney disease 1, severe; POLYCYSTIC KIDNEY DISEASE, ADULT, TYPE I; POLYCYSTIC KIDNEY DISEASE 1 WITH OR WITHOUT POLYCYSTIC LIVER DISEASE; Polycystic Kidney, Autosomal Dominant. Identifiers: MedGen C3149841, MONDO:0008263, OMIM 173900.

Submissions (6):

GeneDx
Classification: Pathogenic. Last evaluated: 2026-09-24. Review status: criteria provided, single submitter. Criteria: GeneDx Variant Classification Process June 2021. Collection method: clinical testing. Allele origin: germline.
Comment: Nonsense variant predicted to result in protein truncation or nonsense mediated decay in a gene for which loss of function is a known mechanism of disease; Not observed at significant frequency in large population cohorts (gnomAD); This variant is associated with the following publications: (PMID: 25525159, 30333007, 11012875, 36082560)

PreventionGenetics, part of Exact Sciences
Classification: Pathogenic for PKD1-related condition. Last evaluated: 2026-04-18. Review status: criteria provided, single submitter. Criteria: ACMG Guidelines, 2015. Collection method: clinical testing. Allele origin: germline.
Comment: The PKD1 c.4957C>T variant is predicted to result in premature protein termination (p.Gln1653*). This variant has been reported to be causative for autosomal dominant polycystic kidney disease (ADPKD) (see for example, Phakdeekitcharoen et al. 2000. PubMed ID: 11012875). This variant has not been reported in a large population database (gnomAD), indicating this variant is rare. Nonsense variants in PKD1 are expected to be pathogenic. This variant is interpreted as pathogenic.

Victorian Clinical Genetics Services, Murdoch Childrens Research Institute
Classification: Pathogenic for Polycystic kidney disease, adult type. Last evaluated: 2026-01-28. Review status: criteria provided, single submitter. Criteria: ACMG Guidelines, 2015. Collection method: clinical testing. Allele origin: germline. Affected: yes.
Comment: This variant is classified as Pathogenic. Evidence in support of pathogenic classification: Variant is predicted to cause nonsense-mediated decay (NMD) and loss of protein (premature termination codon is located at least 54 nucleotides upstream of the final exon-exon junction); Variant is absent from gnomAD (v2, v3 and v4); This variant has moderate previous evidence of pathogenicity in unrelated individuals. This variant has been classified as pathogenic and likely pathogenic by clinical laboratories in ClinVar; Other NMD-predicted variants comparable to the one identified in this case have very strong previous evidence for pathogenicity (DECIPHER). Additional information: This variant is heterozygous; This gene is associated with autosomal dominant disease. Polycystic kidney disease 1 (MIM#173900) is predominantly caused by monoallelic variants, with rare reports of biallelic variants causing disease (OMIM); Loss of function is a known mechanism of disease in this gene and is associated with polycystic kidney disease 1 (MIM#173900); Inheritance information for this variant is not currently available in this individual.

Department of Pathology and Laboratory Medicine, Sinai Health System
Classification: Pathogenic for Polycystic kidney disease, adult type. Last evaluated: 2022-02-25. Review status: criteria provided, single submitter. Criteria: ACMG Guidelines, 2015. Collection method: clinical testing. Allele origin: germline.

Fulgent Genetics
Classification: Likely pathogenic for Polycystic kidney disease, adult type. Last evaluated: 2021-12-20. Review status: criteria provided, single submitter. Criteria: ACMG Guidelines, 2015. Collection method: clinical testing. Allele origin: unknown.

Blueprint Genetics
Classification: Pathogenic for PKD1-related disorders. Last evaluated: 2019-01-15. Review status: criteria provided, single submitter. Criteria: ACMG Guidelines, 2015. Collection method: clinical testing. Allele origin: germline. Affected: yes. Observed: 2 variant alleles.

Literature cited by the submitters: PubMed 22508176 (cited by Department of Pathology and Laboratory Medicine, Sinai Health System).